The following is an entry in ClinVar:

ClinVar aggregate classification (germline): Uncertain significance (1 of 4 stars; one submission).

Conditions:
Werner syndrome (WRN). Identifiers: Orphanet 902, MedGen C0043119, MONDO:0010196, OMIM 277700.

Allele frequency attached by ClinVar (database versions not stated): gnomAD 0.00001.
gnomAD v4.1: 4 of 1,613,728 alleles (0.00025%); highest among the groups gnomAD compares: Non-Finnish European, 0.00034%; no homozygotes.

Submission:

Labcorp Genetics (formerly Invitae), Labcorp
Classification: Uncertain significance for Werner syndrome. Last evaluated: 2026-01-02. Review status: criteria provided, single submitter. Criteria: Invitae Variant Classification Sherloc (09022015). Collection method: clinical testing. Allele origin: germline.
Comment: This sequence change replaces serine, which is neutral and polar, with tyrosine, which is neutral and polar, at codon 319 of the WRN protein (p.Ser319Tyr). This variant is present in population databases (no rsID available, gnomAD 0.007%). This variant has not been reported in the literature in individuals affected with WRN-related conditions. ClinVar contains an entry for this variant (Variation ID: 1416605). An algorithm developed to predict the effect of missense changes on protein structure and function (PolyPhen-2) suggests that this variant is likely to be disruptive. In summary, the available evidence is currently insufficient to determine the role of this variant in disease. Therefore, it has been classified as a Variant of Uncertain Significance.

NM_000553.6(WRN):c.956C>A (p.Ser319Tyr)

Gene: WRN (WRN RecQ like helicase; plus strand). Cytogenetic location: 8p12.
Variant type: single nucleotide variant.
Coding change: c.956C>A on transcript NM_000553.6 (MANE Select); coding-DNA position 956, C replaced by A.
Protein change: p.Ser319Tyr; replaces serine 319 with tyrosine.
Molecular consequence: missense variant.
Genome position (GRCh38, 1-based): chr8:31,080,983, C>A. VCF-style: chr8-31080983-C-A. GRCh37 (hg19) VCF-style: chr8-30938499-C-A.
Other names: short protein forms S319Y.
Identifiers: ClinVar variation 1416605 (VCV001416605.6), dbSNP rs1001988186, ClinGen allele CA370920022.